The following is an entry in ClinVar:

ClinVar aggregate classification (germline): Uncertain significance. Review status: criteria provided, multiple submitters, no conflicts (2 of 4 stars). 2 submissions from 2 submitters: Uncertain significance (2). Last evaluated 2026-01-04.

Conditions:
Inborn genetic diseases. Identifiers: MedGen C0950123, MeSH D030342.

Allele frequency attached by ClinVar (database versions not stated): TOPMed 0.00001; ExAC 0.00015.
gnomAD v4.1: 23 of 1,592,468 alleles (0.0014%); highest among the groups gnomAD compares: Admixed American, 0.03%; no homozygotes.

Submissions (2):

Labcorp Genetics (formerly Invitae), Labcorp
Classification: Uncertain significance. Last evaluated: 2026-01-04. Review status: criteria provided, single submitter. Criteria: Invitae Variant Classification Sherloc (09022015). Collection method: clinical testing. Allele origin: germline.
Comment: This sequence change replaces proline, which is neutral and non-polar, with leucine, which is neutral and non-polar, at codon 9 of the TBX6 protein (p.Pro9Leu). This variant is present in population databases (rs773149674, gnomAD 0.03%). This variant has not been reported in the literature in individuals affected with TBX6-related conditions. ClinVar contains an entry for this variant (Variation ID: 1023196). An algorithm developed to predict the effect of missense changes on protein structure and function (PolyPhen-2) suggests that this variant is likely to be tolerated. In summary, the available evidence is currently insufficient to determine the role of this variant in disease. Therefore, it has been classified as a Variant of Uncertain Significance.

Ambry Genetics
Classification: Uncertain significance for Inborn genetic diseases. Last evaluated: 2025-04-03. Review status: criteria provided, single submitter. Criteria: Ambry Variant Classification Scheme 2023. Collection method: clinical testing. Allele origin: germline.

NM_004608.4(TBX6):c.26C>T (p.Pro9Leu)

Gene: TBX6 (T-box transcription factor 6; minus strand). Cytogenetic location: 16p11.2.
Variant type: single nucleotide variant.
Coding change: c.26C>T on transcript NM_004608.4 (MANE Select); coding-DNA position 26, C replaced by T.
Protein change: p.Pro9Leu; replaces proline 9 with leucine.
Molecular consequence: missense variant.
Genome position (GRCh38, 1-based): chr16:30,091,168, G>A on the plus strand (C>T on the coding strand, the complement: TBX6 is on the minus strand). VCF-style: chr16-30091168-G-A. GRCh37 (hg19) VCF-style: chr16-30102489-G-A.
Other names: c.26C>T (NM_004608.3); short protein forms P9L.
Identifiers: ClinVar variation 1023196 (VCV001023196.9), dbSNP rs773149674, ClinGen allele CA8002037.
Genomic context (GRCh38, chr16:30,091,168, plus strand): 5'-GGGAAGCTGGAGTCGGCCCCAGGTTGGGCGGGCCCCAGGCGGTAGCCGGCCCCCAGGGAC[G>A]GGTACAATTCTCGTGGATGGTACATGTTGTAGTTCCGTCTGGCCTCAGGTCTCGCTGCTT-3'
Protein context (NP_004599.2, residues 1-19): MYHPRELY[Pro9Leu]SLGAGYRLGP